The following is an entry in ClinVar:

ClinVar aggregate classification (germline): Uncertain significance (1 of 4 stars; one submission).

Conditions:
Spermatogenic failure 18. Identifiers: MedGen C4539783, MONDO:0054615, OMIM 617576.
Ciliary dyskinesia, primary, 37 (CILD37). Also called: CILIARY DYSKINESIA, PRIMARY, 37, WITH OR WITHOUT SITUS INVERSUS. Identifiers: MedGen C4539798, MONDO:0033204, OMIM 617577.

Allele frequency attached by ClinVar (database versions not stated): gnomAD exomes 0.00001.
gnomAD v4.1: 7 of 1,613,678 alleles (0.00043%); highest among the groups gnomAD compares: African/African-American, 0.0013%; no homozygotes.

Submission:

Labcorp Genetics (formerly Invitae), Labcorp
Classification: Uncertain significance for Ciliary dyskinesia, primary, 37; Spermatogenic failure 18. Last evaluated: 2022-03-27. Review status: criteria provided, single submitter. Criteria: Invitae Variant Classification Sherloc (09022015). Collection method: clinical testing. Allele origin: germline.
Comment: In summary, the available evidence is currently insufficient to determine the role of this variant in disease. Therefore, it has been classified as a Variant of Uncertain Significance. Algorithms developed to predict the effect of missense changes on protein structure and function (SIFT, PolyPhen-2, Align-GVGD) all suggest that this variant is likely to be tolerated. This variant has not been reported in the literature in individuals affected with DNAH1-related conditions. This variant is not present in population databases (gnomAD no frequency). This sequence change replaces asparagine, which is neutral and polar, with aspartic acid, which is acidic and polar, at codon 51 of the DNAH1 protein (p.Asn51Asp).

NM_015512.5(DNAH1):c.151A>G (p.Asn51Asp)

Gene: DNAH1 (dynein axonemal heavy chain 1; plus strand). Cytogenetic location: 3p21.1.
Variant type: single nucleotide variant.
Coding change: c.151A>G on transcript NM_015512.5 (MANE Select); coding-DNA position 151, A replaced by G.
Protein change: p.Asn51Asp; replaces asparagine 51 with aspartic acid.
Molecular consequence: missense variant.
Genome position (GRCh38, 1-based): chr3:52,322,593, A>G. VCF-style: chr3-52322593-A-G. GRCh37 (hg19) VCF-style: chr3-52356609-A-G.
Other names: short protein forms N51D.
Identifiers: ClinVar variation 1986901 (VCV001986901.4), dbSNP rs867666470, ClinGen allele CA353084146.
Genomic context (GRCh38, chr3:52,322,593, plus strand): 5'-CACAGGGGCCTAGAGTATAACCCGGGGAAGATTCTTCCAGGATCAGACTATGGGTTGGGA[A>G]ATCCTCCAGCCCTTGACCCCAAGCTCCCACATTTACCCCTGCCCCCGGCCCCACCCACAC-3'
Protein context (NP_056327.4, residues 41-61): ILPGSDYGLG[Asn51Asp]PPALDPKLPH